The following is an entry in ClinVar:

NM_014915.3(ANKRD26):c.4585A>G (p.Arg1529Gly)

Gene: ANKRD26 (ankyrin repeat domain 26; minus strand). Cytogenetic location: 10p12.1.
Variant type: single nucleotide variant.
Coding change: c.4585A>G on transcript NM_014915.3 (MANE Select); coding-DNA position 4585, A replaced by G.
Protein change: p.Arg1529Gly; replaces arginine 1529 with glycine.
Molecular consequence: missense variant.
Genome position (GRCh38, 1-based): chr10:27,014,633, T>C on the plus strand (A>G on the coding strand, the complement: ANKRD26 is on the minus strand). VCF-style: chr10-27014633-T-C. GRCh37 (hg19) VCF-style: chr10-27303562-T-C.
Other names: c.4582A>G, p.Arg1528Gly (NM_001256053.2); short protein forms R1529G, R1528G.
Identifiers: ClinVar variation 1979867 (VCV001979867.7), dbSNP rs1000960315, ClinGen allele CA204434139.

ClinVar aggregate classification (germline): Uncertain significance. Review status: criteria provided, multiple submitters, no conflicts (2 of 4 stars). 2 submissions from 2 submitters: Uncertain significance (2). Last evaluated 2025-09-22.

Conditions:
Inborn genetic diseases. Identifiers: MedGen C0950123, MeSH D030342.

Allele frequency attached by ClinVar (database versions not stated): gnomAD exomes 0.00003.
gnomAD v4.1: 38 of 1,613,380 alleles (0.0024%); highest among the groups gnomAD compares: Non-Finnish European, 0.0031%; no homozygotes.

Submissions (2):

Ambry Genetics
Classification: Uncertain significance for Inborn genetic diseases. Last evaluated: 2025-09-22. Review status: criteria provided, single submitter. Criteria: Ambry Variant Classification Scheme 2023. Collection method: clinical testing. Allele origin: germline.

Labcorp Genetics (formerly Invitae), Labcorp
Classification: Uncertain significance. Last evaluated: 2025-01-16. Review status: criteria provided, single submitter. Criteria: Invitae Variant Classification Sherloc (09022015). Collection method: clinical testing. Allele origin: germline.
Comment: This sequence change replaces arginine, which is basic and polar, with glycine, which is neutral and non-polar, at codon 1529 of the ANKRD26 protein (p.Arg1529Gly). This variant is not present in population databases (gnomAD no frequency). This variant has not been reported in the literature in individuals affected with ANKRD26-related conditions. ClinVar contains an entry for this variant (Variation ID: 1979867). An algorithm developed to predict the effect of missense changes on protein structure and function (PolyPhen-2) suggests that this variant is likely to be disruptive. In summary, the available evidence is currently insufficient to determine the role of this variant in disease. Therefore, it has been classified as a Variant of Uncertain Significance.